The following is an entry in ClinVar:

ClinVar aggregate classification (germline): Pathogenic. Review status: criteria provided, multiple submitters, no conflicts (2 of 4 stars). 3 submissions from 3 submitters: Pathogenic (3). Last evaluated 2025-10-03.

Conditions:
Vanishing white matter disease. Also called: CACH syndrome; Childhood ataxia with diffuse central nervous system hypomyelination; Leukoencephalopathy with vanishing white matter; CACH/VWM syndrome; Cree leukoencehalopathy. Identifiers: Orphanet 135, Orphanet 99853, MedGen C1858991, MONDO:0800448.
Leukoencephalopathy with vanishing white matter 5 (VWM5). Also called: Leukoencephalopathy with vanishing white matter 5, with or without ovarian failure; EIF2B5-Related Childhood Ataxia with Central Nervous System Hypomyelination/Vanishing White Matter. Identifiers: MedGen C5779973, MONDO:0957873, OMIM 620315.

Submissions (3):

Natera, Inc.
Classification: Pathogenic for Leukoencephalopathy with vanishing white matter. Last evaluated: 2025-10-03. Review status: criteria provided, single submitter. Criteria: Natera Variant Classification Schema (03/2026). Collection method: clinical testing. Allele origin: germline.
Comment: The c.1813delC variant in EIF2B5 is a frameshift variant predicted to shift the reading frame beginning at codon 605 and leads to a stop codon 21 codons downstream. This variant is expected to result in nonsense mediated decay, truncation, or a dysfunctional protein product. This variant is rare in the general population with a frequency below the threshold expected for the associated phenotype(s). This variant has been observed in one or more individuals affected with the associated recessive disease, as either homozygous or compound heterozygous with a second variant (PMID: 15670229). Given the available evidence, this variant is classified as Pathogenic.

Fulgent Genetics
Classification: Pathogenic for Leukoencephalopathy with vanishing white matter 5. Last evaluated: 2024-05-13. Review status: criteria provided, single submitter. Criteria: ACMG Guidelines, 2015. Collection method: clinical testing. Allele origin: germline.

Labcorp Genetics (formerly Invitae), Labcorp
Classification: Pathogenic. Last evaluated: 2023-04-26. Review status: criteria provided, single submitter. Criteria: Invitae Variant Classification Sherloc (09022015). Collection method: clinical testing. Allele origin: germline.
Comment: For these reasons, this variant has been classified as Pathogenic. Algorithms developed to predict the effect of sequence changes on RNA splicing suggest that this variant may disrupt the consensus splice site. This premature translational stop signal has been observed in individual(s) with leukoencephalopathy with vanishing white matter (PMID: 15670229). This variant is not present in population databases (gnomAD no frequency). This sequence change creates a premature translational stop signal (p.Leu605Cysfs*21) in the EIF2B5 gene. It is expected to result in an absent or disrupted protein product. Loss-of-function variants in EIF2B5 are known to be pathogenic (PMID: 11704758, 15060152, 21307862).

Literature cited by the submitters: PubMed 15670229 (cited by Natera, Inc. and Labcorp Genetics (formerly Invitae), Labcorp); PubMed 11704758 (cited by Labcorp Genetics (formerly Invitae), Labcorp); PubMed 15060152 (cited by Labcorp Genetics (formerly Invitae), Labcorp); PubMed 21307862 (cited by Labcorp Genetics (formerly Invitae), Labcorp).

NM_003907.3(EIF2B5):c.1813del (p.Leu605fs)

Gene: EIF2B5 (eukaryotic translation initiation factor 2B subunit epsilon; plus strand). Cytogenetic location: 3q27.1.
Variant type: Deletion.
Coding change: c.1813del on transcript NM_003907.3 (MANE Select); coding-DNA position 1813, one base deleted (C; older notation c.1813delC).
Protein change: p.Leu605fs; shifts the reading frame from leucine 605.
Molecular consequence: frameshift variant.
Genome position (GRCh38, 1-based): chr3:184,143,509, C deleted; the last of 5 consecutive C bases (chr3:184,143,505-184,143,509); deleting any one gives the same sequence. VCF-style (leftmost placement, unchanged base first): chr3-184143504-TC-T. GRCh37 (hg19) VCF-style: chr3-183861292-TC-T.
Other names: c.1813delC (NM_003907.2); short protein forms L605fs.
Identifiers: ClinVar variation 2734601 (VCV002734601.5), dbSNP rs113994083, ClinGen allele CA88843922.